The following is an entry in ClinVar:

ClinVar aggregate classification (germline): Uncertain significance. Review status: criteria provided, multiple submitters, no conflicts (2 of 4 stars). 4 submissions from 3 submitters: Uncertain significance (4). Last evaluated 2023-02-08.

Conditions:
Inborn genetic diseases. Identifiers: MedGen C0950123, MeSH D030342.
Familial cutaneous telangiectasia and oropharyngeal predisposition cancer syndrome. Identifiers: Orphanet 313846, MedGen C3281203, MONDO:0013806, OMIM 614564.
Seckel syndrome 1 (SCKL1). Also called: MICROCEPHALIC PRIMORDIAL DWARFISM I. Identifiers: Orphanet 808, MedGen C4551474, MONDO:0008869, OMIM 210600.

Allele frequency attached by ClinVar (database versions not stated): gnomAD exomes below 0.00001.
gnomAD v4.1: 5 of 1,594,604 alleles (0.00031%); highest among the groups gnomAD compares: Non-Finnish European, 0.00034%; no homozygotes.

Submissions (4):

Genome-Nilou Lab
Classification: Uncertain significance for Seckel syndrome 1. Last evaluated: 2023-02-08. Review status: criteria provided, single submitter. Criteria: ACMG Guidelines, 2015. Collection method: clinical testing. Allele origin: germline.

Genome-Nilou Lab
Classification: Uncertain significance for Familial cutaneous telangiectasia and oropharyngeal predisposition cancer syndrome. Last evaluated: 2023-02-08. Review status: criteria provided, single submitter. Criteria: ACMG Guidelines, 2015. Collection method: clinical testing. Allele origin: germline.

Ambry Genetics
Classification: Uncertain significance for Inborn genetic diseases. Last evaluated: 2022-10-30. Review status: criteria provided, single submitter. Criteria: Ambry Variant Classification Scheme 2023. Collection method: clinical testing. Allele origin: germline.
Comment: The p.A1953T variant (also known as c.5857G>A), located in coding exon 34 of the ATR gene, results from a G to A substitution at nucleotide position 5857. The alanine at codon 1953 is replaced by threonine, an amino acid with similar properties. This amino acid position is conserved. In addition, this alteration is predicted to be tolerated by in silico analysis. Since supporting evidence is limited at this time, the clinical significance of this alteration remains unclear.

Labcorp Genetics (formerly Invitae), Labcorp
Classification: Uncertain significance. Last evaluated: 2021-08-17. Review status: criteria provided, single submitter. Criteria: Invitae Variant Classification Sherloc (09022015). Collection method: clinical testing. Allele origin: germline.
Comment: This variant is not present in population databases (ExAC no frequency). This sequence change replaces alanine with threonine at codon 1953 of the ATR protein (p.Ala1953Thr). The alanine residue is moderately conserved and there is a small physicochemical difference between alanine and threonine. This variant has not been reported in the literature in individuals affected with ATR-related conditions. Algorithms developed to predict the effect of missense changes on protein structure and function are either unavailable or do not agree on the potential impact of this missense change (SIFT: "Tolerated"; PolyPhen-2: "Possibly Damaging"; Align-GVGD: "Class C0"). In summary, the available evidence is currently insufficient to determine the role of this variant in disease. Therefore, it has been classified as a Variant of Uncertain Significance.

NM_001184.4(ATR):c.5857G>A (p.Ala1953Thr)

Gene: ATR (ATR checkpoint kinase; minus strand). Cytogenetic location: 3q23.
Variant type: single nucleotide variant.
Coding change: c.5857G>A on transcript NM_001184.4 (MANE Select); coding-DNA position 5857, G replaced by A.
Protein change: p.Ala1953Thr; replaces alanine 1953 with threonine.
Molecular consequence: missense variant.
Genome position (GRCh38, 1-based): chr3:142,496,402, C>T on the plus strand (G>A on the coding strand, the complement: ATR is on the minus strand). VCF-style: chr3-142496402-C-T. GRCh37 (hg19) VCF-style: chr3-142215244-C-T.
Other names: c.5665G>A, p.Ala1889Thr (NM_001354579.2); short protein forms A1953T, A1889T.
Identifiers: ClinVar variation 1386301 (VCV001386301.8), dbSNP rs2031648536, ClinGen allele CA354813231.